The following is an entry in ClinVar:

ClinVar aggregate classification (germline): Benign/Likely benign. Review status: criteria provided, multiple submitters, no conflicts (2 of 4 stars). 5 submissions from 5 submitters: Benign (2); Likely benign (2). 1 of the submissions does not count toward it. Last evaluated 2026-08-01.

Conditions:
MED12-Related Disorders. Also called: MED12-related condition; MED12-related disorder. Identifiers: MedGen CN381102.
Familial thoracic aortic aneurysm and aortic dissection (TAAD). Also called: Thoracic aortic aneurysms and dissections. Identifiers: Orphanet 91387, MedGen C4707243, MONDO:0019625.
FG syndrome (FGS). Identifiers: MedGen C0220769, MONDO:0002010.

Allele frequency attached by ClinVar (database versions not stated): gnomAD 0.00005; TOPMed 0.00020.
gnomAD v4.1: 74 of 1,206,283 alleles (0.0061%); highest among the groups gnomAD compares: Admixed American, 0.15%; no homozygotes.

Submissions (5):

CeGaT Center for Human Genetics Tuebingen
Classification: Likely benign. Last evaluated: 2026-08-01. Review status: criteria provided, single submitter. Criteria: CeGaT Center For Human Genetics Tuebingen Variant Classification Criteria Version 2. Collection method: clinical testing. Allele origin: germline. Affected: yes. Observed: 2 variant alleles.
Comment: MED12: BP4, BP7, BS2

Labcorp Genetics (formerly Invitae), Labcorp
Classification: Benign for FG syndrome. Last evaluated: 2025-12-12. Review status: criteria provided, single submitter. Criteria: Invitae Variant Classification Sherloc (09022015). Collection method: clinical testing. Allele origin: germline.

GeneDx
Classification: Likely benign. Last evaluated: 2020-11-24. Review status: criteria provided, single submitter. Criteria: GeneDx Variant Classification Process June 2021. Collection method: clinical testing. Allele origin: germline. Affected: yes.

Ambry Genetics
Classification: Benign for Familial thoracic aortic aneurysm and aortic dissection. Last evaluated: 2017-05-08. Review status: criteria provided, single submitter. Criteria: Ambry Variant Classification Scheme 2023. Collection method: clinical testing. Allele origin: germline.

PreventionGenetics, part of Exact Sciences
Classification: Likely benign for MED12-related condition. Last evaluated: 2020-09-25. Review status: no assertion criteria provided. Collection method: clinical testing. Allele origin: germline. Not counted in ClinVar's aggregate classification.
Comment: This variant is classified as likely benign based on ACMG/AMP sequence variant interpretation guidelines (Richards et al. 2015 PMID: 25741868, with internal and published modifications).

NM_005120.3(MED12):c.5490A>C (p.Thr1830=)

Gene: MED12 (mediator complex subunit 12; plus strand). Cytogenetic location: Xq13.1.
Variant type: single nucleotide variant.
Coding change: c.5490A>C on transcript NM_005120.3 (MANE Select); coding-DNA position 5490, A replaced by C.
Protein change: p.Thr1830=; no amino-acid change (threonine 1830 retained).
Molecular consequence: synonymous variant.
Genome position (GRCh38, 1-based): chrX:71,136,968, A>C. VCF-style: chrX-71136968-A-C. GRCh37 (hg19) VCF-style: chrX-70356818-A-C.
Identifiers: ClinVar variation 516358 (VCV000516358.22), dbSNP rs762466624, ClinGen allele CA10444789.